The following is an entry in ClinVar:

ClinVar aggregate classification (germline): Uncertain significance. Review status: reviewed by expert panel (3 of 4 stars). 7 submissions from 7 submitters: Uncertain significance (1). 6 of the submissions do not count toward it. Last evaluated 2023-04-05.

Conditions:
PALB2-related cancer predisposition. Identifiers: MedGen CN377761, MONDO:0700272.
Hereditary cancer-predisposing syndrome. Also called: Neoplastic Syndromes, Hereditary; Tumor predisposition; Hereditary Cancer Syndrome; Hereditary neoplastic syndrome. Identifiers: Orphanet 140162, MedGen C0027672, MeSH D009386, MONDO:0015356.
Familial cancer of breast. Also called: BREAST CANCER, FAMILIAL; Hereditary breast cancer; hereditary breast carcinoma. Identifiers: Orphanet 227535, MedGen C0346153, MONDO:0016419, OMIM 114480. Disease mechanism: loss of function.

Allele frequency attached by ClinVar (database versions not stated): gnomAD exomes below 0.00001.
gnomAD v4.1: 1 of 1,613,414 alleles (0.000062%); highest among the groups gnomAD compares: Non-Finnish European, 0.000085%; no homozygotes.

Submissions (7):

ClinGen Hereditary Breast, Ovarian and Pancreatic Cancer Variant Curation Expert Panel, ClinGen
Classification: Uncertain significance for PALB2-related cancer predisposition. Last evaluated: 2023-04-05. Review status: reviewed by expert panel. Criteria: ClinGen HBOP VCEP ACMG Specifications PALB2 V1.0.0. Collection method: curation. Allele origin: germline. Inheritance: Autosomal dominant inheritance.
Comment: The c.49-2A>T variant in PALB2 occurs within the canonical splice acceptor site (-1,2) of intron 1. The computational splicing predictor SpliceAI gives a score of 0.97 for acceptor loss and 0.71 score for an acceptor gain, predicting that the variant disrupts the acceptor splice site. This alteration is predicted to result in an in-frame loss impacting two amino acids from of exon 2 in the coiled-coiled domain with unknown functional impact (PMID: 30890586, 30289697, 31159747, Ambry Genetics). This variant is absent in gnomAD v2.1.1. In summary, this variant meets the criteria to be classified as a variant of uncertain significance for autosomal dominant hereditary breast and pancreatic cancer and autosomal recessive FANCN based on the ACMG/AMP criteria applied, as specified by the HBOP VCEP. (PVS1_Moderate, PM2_Supporting)

Ambry Genetics
Classification: Likely pathogenic for Hereditary cancer-predisposing syndrome. Last evaluated: 2024-05-03. Review status: criteria provided, single submitter. Criteria: Ambry Variant Classification Scheme 2023. Collection method: clinical testing. Allele origin: germline. Not counted in ClinVar's aggregate classification.
Comment: The c.49-2A>T intronic variant results from an A to T substitution two nucleotides upstream from coding exon 2 in the PALB2 gene. This alteration was identified in 1/1824 triple-negative breast cancer patients unselected for family history of breast or ovarian cancer (Couch FJ et al. J. Clin. Oncol. 2015 Feb; 33(4):304-11). This nucleotide position is highly conserved in available vertebrate species. In silico splice site analysis predicts that this alteration will weaken the native splice acceptor site and will result in the creation or strengthening of a novel splice acceptor site. Usage of this novel acceptor site would result in an in-frame transcript lacking two highly conserved amino acids in the coiled-coiled domain and is predicted to significantly disrupt a protein-protein interface (Ambry internal data). RNA studies have demonstrated that this alteration results in abnormal splicing in the set of samples tested (Ambry internal data; Valenzuela-Palomo A et al. J Pathol, 2022 Mar;256:321-334). This variant is considered to be rare based on population cohorts in the Genome Aggregation Database (gnomAD). Based on the majority of available evidence to date, this variant is likely to be pathogenic.

GeneDx
Classification: Uncertain significance. Last evaluated: 2023-12-14. Review status: criteria provided, single submitter. Criteria: GeneDx Variant Classification Process June 2021. Collection method: clinical testing. Allele origin: germline. Affected: yes. Not counted in ClinVar's aggregate classification.
Comment: Not observed at significant frequency in large population cohorts (gnomAD); This variant is associated with the following publications: (PMID: 25452441, 29478780, 30128536, 34846068, 30890586)

Labcorp Genetics (formerly Invitae), Labcorp
Classification: Uncertain significance for Familial cancer of breast. Last evaluated: 2023-10-04. Review status: criteria provided, single submitter. Criteria: Invitae Variant Classification Sherloc (09022015). Collection method: clinical testing. Allele origin: germline. Not counted in ClinVar's aggregate classification.
Comment: This sequence change affects an acceptor splice site in intron 1 of the PALB2 gene. RNA analysis indicates that disruption of this splice site induces altered splicing and likely results in a shortened protein product. This variant is not present in population databases (gnomAD no frequency). Disruption of this splice site has been observed in individual(s) with PALB2-related conditions (PMID: 25452441, 29478780). ClinVar contains an entry for this variant (Variation ID: 186820). Studies have shown disruption of this splice site is associated with skipping of 2 amino acids, but one or more of the resulting mRNA isoform(s) may be naturally occurring (PMID: 30890586, 34846068). In summary, the available evidence is currently insufficient to determine the role of this variant in disease. Therefore, it has been classified as a Variant of Uncertain Significance.

MGZ Medical Genetics Center
Classification: Uncertain significance for Familial cancer of breast. Last evaluated: 2022-05-27. Review status: criteria provided, single submitter. Criteria: ACMG Guidelines, 2015. Collection method: clinical testing. Allele origin: germline. Affected: yes. Observed: 1 variant allele. Not counted in ClinVar's aggregate classification.
Comment: ACMG criteria applied: PS4_MOD, PM4, PM2_SUP

Leiden Open Variation Database
Classification: Likely pathogenic for Familial cancer of breast. Last evaluated: 2019-05-13. Review status: no assertion criteria provided. Collection method: curation. Allele origin: germline. Affected: yes. Not counted in ClinVar's aggregate classification.
Comment: Curators: Marc Tischkowitz, Arleen D. Auerbach. Submitter to LOVD: Marc Tischkowitz.

Counsyl
Classification: Likely pathogenic for Familial cancer of breast. Last evaluated: 2018-02-06. Review status: no assertion criteria provided. Collection method: clinical testing. Allele origin: unknown. Not counted in ClinVar's aggregate classification.

Literature cited by the submitters: PubMed 25452441 (cited by 4 submitters); PubMed 34846068 (cited by Ambry Genetics and Labcorp Genetics (formerly Invitae), Labcorp); PubMed 29478780 (cited by Labcorp Genetics (formerly Invitae), Labcorp); PubMed 30890586 (cited by Labcorp Genetics (formerly Invitae), Labcorp).

NM_024675.4(PALB2):c.49-2A>T

Gene: PALB2 (partner and localizer of BRCA2; minus strand). Cytogenetic location: 16p12.2.
Variant type: single nucleotide variant.
Coding change: c.49-2A>T on transcript NM_024675.4 (MANE Select); the canonical splice acceptor site of the intron before coding-DNA position 49, A replaced by T.
Molecular consequence: splice acceptor variant. On other transcripts: intron variant (4).
Genome position (GRCh38, 1-based): chr16:23,638,131, T>A on the plus strand (A>T on the coding strand, the complement: PALB2 is on the minus strand). VCF-style: chr16-23638131-T-A. GRCh37 (hg19) VCF-style: chr16-23649452-T-A.
Other names: NM_024675.3(PALB2):c.49-2A>T; c.-837-2A>T (NM_001407308.1, NM_001407306.1, NM_001407307.1 and 5 more transcripts); c.48+2979A>T (NM_001407314.1); c.-105+2979A>T (NM_001407313.1, NM_001407312.1); c.49-179A>T (NM_001407296.1); c.49-2A>T (NM_001407297.1, NM_001407302.1, NM_001407298.1 and 3 more transcripts).
Identifiers: ClinVar variation 186820 (VCV000186820.23), dbSNP rs786203245, ClinGen allele CA195965.